The following is an entry in ClinVar:

ClinVar aggregate classification (germline): Likely benign. Review status: criteria provided, multiple submitters, no conflicts (2 of 4 stars). 2 submissions from 2 submitters: Likely benign (2). Last evaluated 2019-12-31.

Conditions:
Osteogenesis imperfecta type I (OI1). Also called: OI, TYPE I; OSTEOGENESIS IMPERFECTA TARDA; OSTEOGENESIS IMPERFECTA WITH BLUE SCLERAE; Lobstein's Disease; Classic Non-deforming Osteogenesis Imperfecta with Blue Sclerae; Lobstein disease. Identifiers: Orphanet 216796, Orphanet 666, MedGen C0023931, MONDO:0008146, OMIM 166200. Disease mechanism: loss of function.
Ehlers-Danlos syndrome, classic type, 1 (EDSCL1). Also called: Ehlers-Danlos Syndrome, Classic Type, COL5A1-Related; EDS I; Ehlers-Danlos syndrome, type 1; EHLERS-DANLOS SYNDROME, GRAVIS TYPE; EHLERS-DANLOS SYNDROME, SEVERE CLASSIC TYPE. Identifiers: MedGen C0268335, MONDO:0019567, OMIM 130000.

Allele frequency attached by ClinVar (database versions not stated): gnomAD exomes 0.00001 and 0.00002; gnomAD 0.00001; ExAC 0.00002.
gnomAD v4.1: 8 of 1,613,670 alleles (0.0005%); highest among the groups gnomAD compares: South Asian, 0.0077%; no homozygotes.

Submissions (2):

Labcorp Genetics (formerly Invitae), Labcorp
Classification: Likely benign for Osteogenesis imperfecta type I; Ehlers-Danlos syndrome, classic type, 1. Last evaluated: 2019-12-31. Review status: criteria provided, single submitter. Criteria: Invitae Variant Classification Sherloc (09022015). Collection method: clinical testing. Allele origin: germline.

ARUP Laboratories, Molecular Genetics and Genomics, ARUP Laboratories
Classification: Likely benign. Last evaluated: 2018-04-20. Review status: criteria provided, single submitter. Criteria: ARUP Molecular Germline Variant Investigation Process. Collection method: clinical testing. Allele origin: germline.
Comment: The c.1761A>G; p.Pro587Pro variant (rs746150563) does not alter the amino acid sequence of the COL1A2 protein and computational splice site prediction algorithms do not predict a change in the nearest splice site or creation of a cryptic splice site. This variant has not been reported in association with skeletal dysplasia in medical literature or in gene specific variation databases. This variant is listed in the genome Aggregation Database (gnomAD) with a South Asian population frequency of 0.01% (identified on 4 out of 30,778 chromosomes). Based on the available information, the c.1761A>G variant is likely to be benign.

NM_000089.4(COL1A2):c.1761A>G (p.Pro587=)

Gene: COL1A2 (collagen type I alpha 2 chain; plus strand). Cytogenetic location: 7q21.3.
Variant type: single nucleotide variant.
Coding change: c.1761A>G on transcript NM_000089.4 (MANE Select); coding-DNA position 1761, A replaced by G.
Protein change: p.Pro587=; no amino-acid change (proline 587 retained).
Molecular consequence: synonymous variant.
Genome position (GRCh38, 1-based): chr7:94,415,267, A>G. VCF-style: chr7-94415267-A-G. GRCh37 (hg19) VCF-style: chr7-94044579-A-G.
Identifiers: ClinVar variation 618021 (VCV000618021.14), dbSNP rs746150563, ClinGen allele CA4347194.